The following is an entry in ClinVar:

NM_000384.3(APOB):c.7924C>T (p.Pro2642Ser)

Gene: APOB (apolipoprotein B; minus strand). Cytogenetic location: 2p24.1.
Variant type: single nucleotide variant.
Coding change: c.7924C>T on transcript NM_000384.3 (MANE Select); coding-DNA position 7924, C replaced by T.
Protein change: p.Pro2642Ser; replaces proline 2642 with serine.
Molecular consequence: missense variant.
Genome position (GRCh38, 1-based): chr2:21,008,944, G>A on the plus strand (C>T on the coding strand, the complement: APOB is on the minus strand). VCF-style: chr2-21008944-G-A. GRCh37 (hg19) VCF-style: chr2-21231816-G-A.
Other names: short protein forms P2642S.
Identifiers: ClinVar variation 1303650 (VCV001303650.2), dbSNP rs2103354999, ClinGen allele CA345995814.

ClinVar aggregate classification (germline): Uncertain significance (1 of 4 stars; one submission).

Submission:

GeneDx
Classification: Uncertain significance. Last evaluated: 2020-01-20. Review status: criteria provided, single submitter. Criteria: GeneDx Variant Classification Process June 2021. Collection method: clinical testing. Allele origin: germline. Affected: yes.
Comment: Not observed in large population cohorts (Lek et al., 2016); In silico analysis, which includes protein predictors and evolutionary conservation, supports a deleterious effect; Has not been previously published as pathogenic or benign to our knowledge